The following is an entry in ClinVar:

ClinVar aggregate classification (germline): Pathogenic (1 of 4 stars; one submission).

Submission:

Labcorp Genetics (formerly Invitae), Labcorp
Classification: Pathogenic. Last evaluated: 2025-07-14. Review status: criteria provided, single submitter. Criteria: Invitae Variant Classification Sherloc (09022015). Collection method: clinical testing. Allele origin: germline.
Comment: This sequence change creates a premature translational stop signal (p.Leu1867Argfs*15) in the TCF20 gene. It is expected to result in an absent or disrupted protein product. Loss-of-function variants in TCF20 are known to be pathogenic (PMID: 30739909, 30819258). This variant is not present in population databases (gnomAD no frequency). This variant has not been reported in the literature in individuals affected with TCF20-related conditions. ClinVar contains an entry for this variant (Variation ID: 2759238). For these reasons, this variant has been classified as Pathogenic.

Literature cited by the submitters: PubMed 30739909; PubMed 30819258.

NM_001378418.1(TCF20):c.5600del (p.Leu1867fs)

Gene: TCF20 (transcription factor 20; minus strand). Cytogenetic location: 22q13.2.
Variant type: Deletion.
Coding change: c.5600del on transcript NM_001378418.1 (MANE Select); coding-DNA position 5600, one base deleted (T; older notation c.5600delT).
Protein change: p.Leu1867fs; shifts the reading frame from leucine 1867.
Molecular consequence: frameshift variant.
Genome position (GRCh38, 1-based): chr22:42,209,706, A deleted on the plus strand (T on the coding strand, the reverse complement: TCF20 is on the minus strand). VCF-style (leftmost placement, unchanged base first): chr22-42209705-CA-C. GRCh37 (hg19) VCF-style: chr22-42605711-CA-C.
Other names: c.5600del, p.Leu1867fs (NM_005650.4, NM_181492.3); short protein forms L1867fs.
Identifiers: ClinVar variation 2759238 (VCV002759238.3), dbSNP rs2518196896, ClinGen allele CA2697552793.
Genomic context (GRCh38, chr22:42,209,705, plus strand): 5'-ACTCACCATCTCTCTGGCTATTTCCAGCGCTTCCTGCAGGCCATAGAGCCTGCCACAAAC[CA>C]GGTAGATTCCATTGGCCCAGAGAATACAACCCTCATGGACCCAAAATTCATTGCTGTCAA-3'